The following is an entry in ClinVar:

NM_004204.5(PIGQ):c.1007T>G (p.Met336Arg)

Gene: PIGQ (phosphatidylinositol glycan anchor biosynthesis class Q; plus strand). Cytogenetic location: 16p13.3.
Variant type: single nucleotide variant.
Coding change: c.1007T>G on transcript NM_004204.5 (MANE Select); coding-DNA position 1007, T replaced by G.
Protein change: p.Met336Arg; replaces methionine 336 with arginine.
Molecular consequence: missense variant.
Genome position (GRCh38, 1-based): chr16:578,443, T>G. VCF-style: chr16-578443-T-G. GRCh37 (hg19) VCF-style: chr16-628443-T-G.
Other names: c.1007T>G (NM_148920.1); c.1007T>G, p.Met336Arg (NM_148920.4); short protein forms M336R.
Identifiers: ClinVar variation 2166829 (VCV002166829.3), dbSNP rs1340522518, ClinGen allele CA394055805.

ClinVar aggregate classification (germline): Uncertain significance. Review status: criteria provided, multiple submitters, no conflicts (2 of 4 stars). 2 submissions from 2 submitters: Uncertain significance (2). Last evaluated 2025-11-26.

Conditions:
Inborn genetic diseases. Identifiers: MedGen C0950123, MeSH D030342.
Epilepsy. Also called: Seizure disorder. Identifiers: MedGen C0014544, MeSH D004827, MONDO:0005027.

Allele frequency attached by ClinVar (database versions not stated): gnomAD 0.00002; TOPMed 0.00002.

Submissions (2):

Ambry Genetics
Classification: Uncertain significance for Inborn genetic diseases. Last evaluated: 2025-11-26. Review status: criteria provided, single submitter. Criteria: Ambry Variant Classification Scheme 2023. Collection method: clinical testing. Allele origin: germline.

Labcorp Genetics (formerly Invitae), Labcorp
Classification: Uncertain significance for Epilepsy. Last evaluated: 2024-01-24. Review status: criteria provided, single submitter. Criteria: Invitae Variant Classification Sherloc (09022015). Collection method: clinical testing. Allele origin: germline.
Comment: This sequence change replaces methionine, which is neutral and non-polar, with arginine, which is basic and polar, at codon 336 of the PIGQ protein (p.Met336Arg). This variant is not present in population databases (gnomAD no frequency). This variant has not been reported in the literature in individuals affected with PIGQ-related conditions. ClinVar contains an entry for this variant (Variation ID: 2166829). An algorithm developed to predict the effect of missense changes on protein structure and function (PolyPhen-2) suggests that this variant is likely to be disruptive. In summary, the available evidence is currently insufficient to determine the role of this variant in disease. Therefore, it has been classified as a Variant of Uncertain Significance.